The following is an entry in ClinVar:

NM_000355.4(TCN2):c.164A>C (p.Tyr55Ser)

Gene: TCN2 (transcobalamin 2; plus strand). Cytogenetic location: 22q12.2.
Variant type: single nucleotide variant.
Coding change: c.164A>C on transcript NM_000355.4 (MANE Select); coding-DNA position 164, A replaced by C.
Protein change: p.Tyr55Ser; replaces tyrosine 55 with serine.
Molecular consequence: missense variant.
Genome position (GRCh38, 1-based): chr22:30,610,970, A>C. VCF-style: chr22-30610970-A-C. GRCh37 (hg19) VCF-style: chr22-31006957-A-C.
Other names: c.164A>C, p.Tyr55Ser (NM_001184726.2); short protein forms Y55S.
Identifiers: ClinVar variation 3680653 (VCV003680653.2).

ClinVar aggregate classification (germline): Uncertain significance (1 of 4 stars; one submission).

Conditions:
Transcobalamin II deficiency (TCN2D). Also called: TC II DEFICIENCY; TCN2 DEFICIENCY; Transcolabamin II deficiency. Identifiers: Orphanet 859, MedGen C0342701, MONDO:0010149, OMIM 275350.

gnomAD v4.1: 1 of 1,614,158 alleles (0.000062%); highest among the groups gnomAD compares: South Asian, 0.0011%; no homozygotes.

Submission:

Labcorp Genetics (formerly Invitae), Labcorp
Classification: Uncertain significance for Transcobalamin II deficiency. Last evaluated: 2024-06-06. Review status: criteria provided, single submitter. Criteria: Invitae Variant Classification Sherloc (09022015). Collection method: clinical testing. Allele origin: germline.
Comment: This sequence change replaces tyrosine, which is neutral and polar, with serine, which is neutral and polar, at codon 55 of the TCN2 protein (p.Tyr55Ser). This variant is present in population databases (rs201701227, gnomAD 0.003%). This variant has not been reported in the literature in individuals affected with TCN2-related conditions. Advanced modeling of protein sequence and biophysical properties (such as structural, functional, and spatial information, amino acid conservation, physicochemical variation, residue mobility, and thermodynamic stability) performed at Invitae indicates that this missense variant is expected to disrupt TCN2 protein function with a positive predictive value of 80%. In summary, the available evidence is currently insufficient to determine the role of this variant in disease. Therefore, it has been classified as a Variant of Uncertain Significance.